The following is an entry in ClinVar:

NM_002890.3(RASA1):c.2532_2536del (p.Leu845fs)

Genes: CCNH (cyclin H; minus strand), RASA1 (RAS p21 protein activator 1; plus strand). Cytogenetic location: 5q14.3.
Variant type: Deletion.
Coding change: c.2532_2536del on transcript NM_002890.3 (MANE Select); coding-DNA positions 2532 to 2536, 5 bases deleted (TTTAA; older notation c.2532_2536delTTTAA).
Protein change: p.Leu845fs; shifts the reading frame from leucine 845.
Molecular consequence: frameshift variant. On other transcripts: intron variant (1).
Genome position (GRCh38, 1-based): chr5:87,379,779-87,379,783, TTTAA deleted; deleting any 5 consecutive bases within chr5:87,379,776-87,379,783 gives the same sequence; the c. name uses the placement nearest the transcript's 3' end. VCF-style (leftmost placement, unchanged base first): chr5-87379775-CTAATT-C. GRCh37 (hg19) VCF-style: chr5-86675592-CTAATT-C.
Other names: c.933+15264_933+15268del (NM_001364075.2); c.2001_2005del, p.Leu668fs (NM_022650.3); short protein forms L668fs, L845fs.
Identifiers: ClinVar variation 3720630 (VCV003720630.2).
Genomic context (GRCh38, chr5:87,379,775, plus strand): 5'-TGATTTATTCCTTCTTTTAGTTAAGTCCATCAAAGTTAGAAAAAAATGAAGATGTGAACA[CTAATT>C]TAACACACCTATTGAACATACTTTCAGAGCTTGTGGAGAAAATATTCATGGCTTCAGAAA-3'

ClinVar aggregate classification (germline): Pathogenic (1 of 4 stars; one submission).

Conditions:
Capillary malformation-arteriovenous malformation syndrome. Also called: Capillary malformation-arteriovenous malformation. Identifiers: Orphanet 137667, MedGen C1842180, MONDO:0012016.

Submission:

Labcorp Genetics (formerly Invitae), Labcorp
Classification: Pathogenic for Capillary malformation-arteriovenous malformation syndrome. Last evaluated: 2024-05-25. Review status: criteria provided, single submitter. Criteria: Invitae Variant Classification Sherloc (09022015). Collection method: clinical testing. Allele origin: germline.
Comment: This sequence change creates a premature translational stop signal (p.Leu845Thrfs*38) in the RASA1 gene. It is expected to result in an absent or disrupted protein product. Loss-of-function variants in RASA1 are known to be pathogenic (PMID: 24038909). This variant is not present in population databases (gnomAD no frequency). This premature translational stop signal has been observed in individual(s) with capillary malformation-arteriovenous malformation (PMID: 18446851). In at least one individual the variant was observed to be de novo. For these reasons, this variant has been classified as Pathogenic.

Literature cited by the submitters: PubMed 24038909; PubMed 18446851.